The following is an entry in ClinVar:

ClinVar aggregate classification (germline): Uncertain significance (1 of 4 stars; one submission).

gnomAD v4.1: 8 of 1,613,030 alleles (0.0005%); highest among the groups gnomAD compares: Admixed American, 0.0033%; no homozygotes.

Submission:

Ambry Genetics
Classification: Uncertain significance. Last evaluated: 2025-03-05. Review status: criteria provided, single submitter. Criteria: Ambry Variant Classification Scheme 2023. Collection method: clinical testing. Allele origin: germline.
Comment: The p.R722C variant (also known as c.2164C>T), located in coding exon 4 of the CDK12 gene, results from a C to T substitution at nucleotide position 2164. The arginine at codon 722 is replaced by cysteine, an amino acid with highly dissimilar properties. This amino acid position is conserved. In addition, the in silico prediction for this alteration is inconclusive. Based on the available evidence, the clinical significance of this variant remains unclear.

NM_016507.4(CDK12):c.2164C>T (p.Arg722Cys)

Gene: CDK12 (cyclin dependent kinase 12; plus strand). Cytogenetic location: 17q12.
Variant type: single nucleotide variant.
Coding change: c.2164C>T on transcript NM_016507.4 (MANE Select); coding-DNA position 2164, C replaced by T.
Protein change: p.Arg722Cys; replaces arginine 722 with cysteine.
Molecular consequence: missense variant.
Genome position (GRCh38, 1-based): chr17:39,492,806, C>T. VCF-style: chr17-39492806-C-T. GRCh37 (hg19) VCF-style: chr17-37649059-C-T.
Other names: c.2164C>T, p.Arg722Cys (NM_015083.4); short protein forms R722C.
Identifiers: ClinVar variation 3830752 (VCV003830752.1).